The following is an entry in ClinVar:

ClinVar aggregate classification (germline): Uncertain significance. Review status: criteria provided, multiple submitters, no conflicts (2 of 4 stars). 2 submissions from 2 submitters: Uncertain significance (2). Last evaluated 2025-12-21.

Conditions:
Catecholaminergic polymorphic ventricular tachycardia 1. Also called: VENTRICULAR TACHYCARDIA, STRESS-INDUCED POLYMORPHIC 1; VENTRICULAR TACHYCARDIA, CATECHOLAMINERGIC POLYMORPHIC, 1, WITH OR WITHOUT ATRIAL DYSFUNCTION AND/OR DILATED CARDIOMYOPATHY; RYR2-Related Catecholaminergic Polymorphic Ventricular Tachycardia. Identifiers: Orphanet 3286, MedGen C1631597, MONDO:0011484, OMIM 604772.

gnomAD v4.1: 3 of 1,609,332 alleles (0.00019%); highest among the groups gnomAD compares: Non-Finnish European, 0.00025%; no homozygotes.

Submissions (2):

Labcorp Genetics (formerly Invitae), Labcorp
Classification: Uncertain significance for Catecholaminergic polymorphic ventricular tachycardia 1. Last evaluated: 2025-12-21. Review status: criteria provided, single submitter. Criteria: Invitae Variant Classification Sherloc (09022015). Collection method: clinical testing. Allele origin: germline.
Comment: This sequence change replaces tyrosine, which is neutral and polar, with histidine, which is basic and polar, at codon 3405 of the RYR2 protein (p.Tyr3405His). This variant is not present in population databases (gnomAD no frequency). This variant has not been reported in the literature in individuals affected with RYR2-related conditions. ClinVar contains an entry for this variant (Variation ID: 3626446). Invitae Evidence Modeling of protein sequence and biophysical properties (such as structural, functional, and spatial information, amino acid conservation, physicochemical variation, residue mobility, and thermodynamic stability) indicates that this missense variant is not expected to disrupt RYR2 protein function with a negative predictive value of 95%. In summary, the available evidence is currently insufficient to determine the role of this variant in disease. Therefore, it has been classified as a Variant of Uncertain Significance.

GeneDx
Classification: Uncertain significance. Last evaluated: 2024-11-22. Review status: criteria provided, single submitter. Criteria: GeneDx Variant Classification Process June 2021. Collection method: clinical testing. Allele origin: germline. Affected: yes.
Comment: Not observed at significant frequency in large population cohorts (gnomAD); In silico analysis supports that this missense variant has a deleterious effect on protein structure/function; Has not been previously published as pathogenic or benign to our knowledge; Not located in one of the three hot-spot regions of the RYR2 gene, where the majority of pathogenic missense variants occur (PMID: 19926015); This variant is associated with the following publications: (PMID: 19926015)

NM_001035.3(RYR2):c.10213T>C (p.Tyr3405His)

Gene: RYR2 (ryanodine receptor 2; plus strand). Cytogenetic location: 1q43.
Variant type: single nucleotide variant.
Coding change: c.10213T>C on transcript NM_001035.3 (MANE Select); coding-DNA position 10213, T replaced by C.
Protein change: p.Tyr3405His; replaces tyrosine 3405 with histidine.
Molecular consequence: missense variant.
Genome position (GRCh38, 1-based): chr1:237,709,550, T>C. VCF-style: chr1-237709550-T-C. GRCh37 (hg19) VCF-style: chr1-237872850-T-C.
Other names: c.10213T>C (NM_001035.2); short protein forms Y3405H.
Identifiers: ClinVar variation 3626446 (VCV003626446.3).